The following is an entry in ClinVar:

ClinVar aggregate classification (germline): Benign/Likely benign. Review status: criteria provided, multiple submitters, no conflicts (2 of 4 stars). 10 submissions from 10 submitters: Benign (3); Likely benign (5). 2 of the submissions do not count toward it. Last evaluated 2026-06-01.

Conditions:
Spinocerebellar ataxia type 29 (SCA29). Also called: Spinocerebellar ataxia 29, congenital nonprogressive; CEREBELLAR ATAXIA, CONGENITAL NONPROGRESSIVE, AUTOSOMAL DOMINANT. Identifiers: Orphanet 208513, MedGen C1861732, MONDO:0007298, OMIM 117360.
Spinocerebellar ataxia type 15/16 (SCA15). Also called: Spinocerebellar Ataxia Type 15. Identifiers: Orphanet 98769, MedGen C1847725, MONDO:0011694, OMIM 606658.
Gillespie syndrome (GLSP). Also called: Aniridia-cerebellar ataxia-intellectual disability syndrome; Aniridia, cerebellar ataxia, and mental deficiency. Identifiers: Orphanet 1065, MedGen C0431401, MONDO:0008795, OMIM 206700.
Autosomal dominant cerebellar ataxia. Also called: Spinocerebellar Ataxia, Dominant. Identifiers: Orphanet 99, MedGen C4087347, MONDO:0020380.

Allele frequency attached by ClinVar (database versions not stated): ExAC 0.00082; TOPMed 0.00100; gnomAD 0.00107 and 0.00108; ESP Exome Variant Server 0.00108; 1000 Genomes Project 0.00140; 1000 Genomes Project 30x 0.00141.
gnomAD v4.1: 1,418 of 1,613,270 alleles (0.088%); highest among the groups gnomAD compares: Admixed American, 0.27%; 2 homozygotes.

Submissions (10):

CeGaT Center for Human Genetics Tuebingen
Classification: Likely benign. Last evaluated: 2026-06-01. Review status: criteria provided, single submitter. Criteria: CeGaT Center For Human Genetics Tuebingen Variant Classification Criteria Version 2. Collection method: clinical testing. Allele origin: germline. Affected: yes. Observed: 11 variant alleles.
Comment: ITPR1: BP4, BP7

Labcorp Genetics (formerly Invitae), Labcorp
Classification: Benign. Last evaluated: 2026-02-02. Review status: criteria provided, single submitter. Criteria: Invitae Variant Classification Sherloc (09022015). Collection method: clinical testing. Allele origin: germline.

Athena Diagnostics
Classification: Benign. Last evaluated: 2025-08-27. Review status: criteria provided, single submitter. Criteria: Athena Diagnostics Criteria. Collection method: clinical testing. Allele origin: unknown.
Comment: The frequency of this variant in the general population is higher than would generally be expected for pathogenic variants in this gene. Computational tools yielded predictions that this variant is unlikely to have an effect on normal RNA splicing. This nucleotide position exhibits low evolutionary conservation.

Blueprint Genetics
Classification: Likely benign. Last evaluated: 2024-11-08. Review status: criteria provided, single submitter. Criteria: ACMG Guidelines, 2015. Collection method: clinical testing. Allele origin: germline.

Fulgent Genetics
Classification: Likely benign for Spinocerebellar ataxia type 29; Gillespie syndrome; Spinocerebellar ataxia type 15/16. Last evaluated: 2021-10-14. Review status: criteria provided, single submitter. Criteria: ACMG Guidelines, 2015. Collection method: clinical testing. Allele origin: unknown.

GeneDx
Classification: Likely benign. Last evaluated: 2021-08-09. Review status: criteria provided, single submitter. Criteria: GeneDx Variant Classification Process June 2021. Collection method: clinical testing. Allele origin: germline. Affected: yes.

Illumina Laboratory Services, Illumina
Classification: Benign for Spinocerebellar Ataxia, Dominant. Last evaluated: 2018-01-12. Review status: criteria provided, single submitter. Criteria: ICSL Variant Classification Criteria 13 December 2019. Collection method: clinical testing. Allele origin: germline.
Comment: This variant was observed in the ICSL laboratory as part of a predisposition screen in an ostensibly healthy population. It had not been previously curated by ICSL or reported in the Human Gene Mutation Database (HGMD: prior to June 1st, 2018), and was therefore a candidate for classification through an automated scoring system. Utilizing variant allele frequency, disease prevalence and penetrance estimates, and inheritance mode, an automated score was calculated to assess if this variant is too frequent to cause the disease. Based on the score and internal cut-off values, a variant classified as benign is not then subjected to further curation. The score for this variant resulted in a classification of benign for this disease.

Breakthrough Genomics
Classification: Likely benign. Review status: criteria provided, single submitter. Criteria: ACMG Guidelines, 2015. Collection method: not provided. Allele origin: germline. Inheritance: Autosomal dominant inheritance. Affected: yes.

Clinical Genetics DNA and cytogenetics Diagnostics Lab, Erasmus MC, Erasmus Medical Center
Classification: Likely benign. Review status: no assertion criteria provided. Collection method: clinical testing. Allele origin: germline. Affected: yes. Study: VKGL Data-share Consensus. Not counted in ClinVar's aggregate classification.

Genome Diagnostics Laboratory, University Medical Center Utrecht
Classification: Likely benign. Review status: no assertion criteria provided. Collection method: clinical testing. Allele origin: germline. Affected: yes. Study: VKGL Data-share Consensus. Not counted in ClinVar's aggregate classification.

NM_001378452.1(ITPR1):c.4254G>T (p.Val1418=)

Gene: ITPR1 (inositol 1,4,5-trisphosphate receptor type 1; plus strand). Cytogenetic location: 3p26.1.
Variant type: single nucleotide variant.
Coding change: c.4254G>T on transcript NM_001378452.1 (MANE Select); coding-DNA position 4254, G replaced by T.
Protein change: p.Val1418=; no amino-acid change (valine 1418 retained).
Molecular consequence: synonymous variant.
Genome position (GRCh38, 1-based): chr3:4,693,714, G>T. VCF-style: chr3-4693714-G-T. GRCh37 (hg19) VCF-style: chr3-4735398-G-T.
Other names: c.4227G>T, p.Val1409= (NM_001099952.4); c.4209G>T, p.Val1403= (NM_001168272.2); c.4182G>T, p.Val1394= (NM_002222.7).
Identifiers: ClinVar variation 345735 (VCV000345735.44), dbSNP rs142527379, ClinGen allele CA2231922.